The following is an entry in ClinVar:

ClinVar aggregate classification (germline): Uncertain significance (1 of 4 stars; one submission).

Conditions:
Epidermolysis bullosa simplex 5B, with muscular dystrophy (EBS5B). Also called: EPIDERMOLYSIS BULLOSA SIMPLEX AND LIMB-GIRDLE MUSCULAR DYSTROPHY; Epidermolysis bullosa simplex with muscular dystrophy. Identifiers: Orphanet 257, MedGen C2931072, MONDO:0009181, OMIM 226670.
Epidermolysis bullosa simplex, Ogna type (EBS5A). Also called: Pidermolysis bullosa simplex 5A, Ogna type; EPIDERMOLYSIS BULLOSA SIMPLEX 5A, OGNA TYPE. Identifiers: Orphanet 79401, MedGen C0432317, MONDO:0007555, OMIM 131950.
Epidermolysis bullosa simplex with nail dystrophy (EBS5D). Identifiers: MedGen C4225309, MONDO:0014661, OMIM 616487.
Autosomal recessive limb-girdle muscular dystrophy type 2Q (LGMDR17). Also called: MUSCULAR DYSTROPHY, LIMB-GIRDLE, AUTOSOMAL RECESSIVE 17. Identifiers: Orphanet 254361, MedGen C3150989, MONDO:0013390, OMIM 613723.
Epidermolysis bullosa simplex 5C, with pyloric atresia (EBS5C). Also called: PLEC1-Related Epidermolysis Bullosa with Pyloric Atresia; Epidermolysis bullosa simplex with pyloric atresia; PLEC-Related Epidermolysis Bullosa with Pyloric Atresia. Identifiers: Orphanet 158684, MedGen C2677349, MONDO:0012807, OMIM 612138.

Allele frequency attached by ClinVar (database versions not stated): gnomAD exomes below 0.00001.
gnomAD v4.1: 2 of 1,572,194 alleles (0.00013%); highest among the groups gnomAD compares: East Asian, 0.0023%; no homozygotes.

Submission:

Labcorp Genetics (formerly Invitae), Labcorp
Classification: Uncertain significance for Autosomal recessive limb-girdle muscular dystrophy type 2Q; Epidermolysis bullosa simplex, Ogna type; Epidermolysis bullosa simplex with nail dystrophy; Epidermolysis bullosa simplex 5C, with pyloric atresia; Epidermolysis bullosa simplex 5B, with muscular dystrophy. Last evaluated: 2022-05-19. Review status: criteria provided, single submitter. Criteria: Invitae Variant Classification Sherloc (09022015). Collection method: clinical testing. Allele origin: germline.
Comment: This sequence change replaces serine, which is neutral and polar, with phenylalanine, which is neutral and non-polar, at codon 1611 of the PLEC protein (p.Ser1611Phe). The frequency data for this variant in the population databases is considered unreliable, as metrics indicate poor data quality at this position in the gnomAD database. This variant has not been reported in the literature in individuals affected with PLEC-related conditions. Algorithms developed to predict the effect of missense changes on protein structure and function are either unavailable or do not agree on the potential impact of this missense change (SIFT: "Tolerated"; PolyPhen-2: "Not Available"; Align-GVGD: "Class C0"). In summary, the available evidence is currently insufficient to determine the role of this variant in disease. Therefore, it has been classified as a Variant of Uncertain Significance.

NM_201384.3(PLEC):c.4751C>T (p.Ser1584Phe)

Gene: PLEC (plectin; minus strand). Cytogenetic location: 8q24.3.
Variant type: single nucleotide variant.
Coding change: c.4751C>T on transcript NM_201384.3 (MANE Select); coding-DNA position 4751, C replaced by T.
Protein change: p.Ser1584Phe; replaces serine 1584 with phenylalanine.
Molecular consequence: missense variant.
Genome position (GRCh38, 1-based): chr8:143,925,178, G>A on the plus strand (C>T on the coding strand, the complement: PLEC is on the minus strand). VCF-style: chr8-143925178-G-A. GRCh37 (hg19) VCF-style: chr8-144999346-G-A.
Other names: c.4832C>T, p.Ser1611Phe (NM_000445.5); c.4709C>T, p.Ser1570Phe (NM_201378.4); c.4685C>T, p.Ser1562Phe (NM_201379.3); c.5162C>T, p.Ser1721Phe (NM_201380.4); c.4655C>T, p.Ser1552Phe (NM_201381.3); c.4751C>T, p.Ser1584Phe (NM_201382.4); c.4763C>T, p.Ser1588Phe (NM_201383.3); short protein forms S1552F, S1562F, S1721F, S1588F, S1584F, S1611F, S1570F.
Identifiers: ClinVar variation 1902034 (VCV001902034.5), dbSNP rs1554701064, ClinGen allele CA372553356.